The following is an entry in ClinVar:

ClinVar aggregate classification (germline): Pathogenic (1 of 4 stars; one submission).

Conditions:
Frasier syndrome. Identifiers: Orphanet 347, MedGen C0950122, MeSH D052159, MONDO:0007635, OMIM 136680.
Drash syndrome (DDS). Also called: NEPHROPATHY, WILMS TUMOR, AND GENITAL ANOMALIES; WILMS TUMOR AND PSEUDO- OR TRUE HERMAPHRODITISM. Identifiers: Orphanet 220, MedGen C0950121, MONDO:0008682, OMIM 194080.
Wilms tumor 1 (WT1). Also called: Wilms tumor, somatic. Identifiers: Orphanet 654, MedGen CN033288, MONDO:0008679, OMIM 194070.
11p partial monosomy syndrome (WAGR). Also called: CHROMOSOME 11p13 DELETION SYNDROME; WAGR syndrome; WAGR Complex; WAGR Spectrum Disorder. Identifiers: Orphanet 893, MedGen C0206115, MONDO:0008681, OMIM 194072.

Submission:

Labcorp Genetics (formerly Invitae), Labcorp
Classification: Pathogenic for Wilms tumor 1; Drash syndrome; 11p partial monosomy syndrome; Frasier syndrome. Last evaluated: 2023-09-25. Review status: criteria provided, single submitter. Criteria: Invitae Variant Classification Sherloc (09022015). Collection method: clinical testing. Allele origin: germline.
Comment: This sequence change creates a premature translational stop signal (p.Thr274Profs*12) in the WT1 gene. It is expected to result in an absent or disrupted protein product. Loss-of-function variants in WT1 are known to be pathogenic (PMID: 15150775). This variant is not present in population databases (gnomAD no frequency). This variant has not been reported in the literature in individuals affected with WT1-related conditions. For these reasons, this variant has been classified as Pathogenic.

Literature cited by the submitters: PubMed 15150775.

NM_024426.6(WT1):c.834del (p.Thr279fs)

Gene: WT1 (WT1 transcription factor; minus strand). Cytogenetic location: 11p13.
Variant type: Deletion.
Coding change: c.834del on transcript NM_024426.6 (MANE Select); coding-DNA position 834, one base deleted (C; older notation c.834delC).
Protein change: p.Thr279fs; shifts the reading frame from threonine 279.
Molecular consequence: frameshift variant. On other transcripts: non-coding transcript variant (2).
Genome position (GRCh38, 1-based): chr11:32,428,009, G deleted on the plus strand (C on the coding strand, the reverse complement: WT1 is on the minus strand); the first of 5 consecutive G bases (chr11:32,428,009-32,428,013); deleting any one gives the same sequence. VCF-style (leftmost placement, unchanged base first): chr11-32428008-TG-T. GRCh37 (hg19) VCF-style: chr11-32449554-TG-T.
Other names: c.834del, p.Thr279fs (NM_000378.6, NM_001407044.1, NM_001407045.1 and 4 more transcripts); c.183del, p.Thr62fs (NM_001198551.2, NM_001198552.2); c.711del, p.Thr238fs (NM_001407047.1, NM_001407050.1); c.72del, p.Thr25fs (NM_001407051.1); c.815delC, p.Thr274Profs (NM_024425.2); short protein forms T279fs, T25fs, T62fs, T238fs.
Identifiers: ClinVar variation 2952265 (VCV002952265.3), dbSNP rs2133072543, ClinGen allele CA2612987626.
Genomic context (GRCh38, chr11:32,428,008, plus strand): 5'-CTTCCTACCTGCTGTAGGGCGTCCTCAGCAGCAAAGCCTGGCTGCCGGTGCAGCTGTCGG[TG>T]GGGGTGTGGCAGCCATAGACCGGGGGCGGCACCGAGTACTGCTGCTCACCTGCAGAGAGA-3'